The following is an entry in ClinVar:

ClinVar aggregate classification (germline): Uncertain significance (1 of 4 stars; one submission).

Conditions:
Heterotopia, periventricular, X-linked dominant (PVNH1). Also called: PERIVENTRICULAR NODULAR HETEROTOPIA 1; X-linked periventricular heterotopia; PERIVENTRICULAR NODULAR HETEROTOPIA 4; HETEROTOPIA, PERIVENTRICULAR, 1. Identifiers: Orphanet 2149, Orphanet 82004, MedGen C1848213, MONDO:0010233, OMIM 300049.

Submission:

Centre for Mendelian Genomics, University Medical Centre Ljubljana
Classification: Uncertain significance for Heterotopia, periventricular, X-linked dominant. Last evaluated: 2026-07-22. Review status: criteria provided, single submitter. Criteria: ACMG Guidelines, 2015. Collection method: clinical testing. Allele origin: germline. Affected: yes. Observed: 2 variant alleles.
Comment: The c.4240T>A (p.Tyr1414Asn) variant in FLNA has not previously been reported in association with human disease in the biomedical literature; however, the following lines of evidence favor its pathogenicity: (1) the variant is absent from control populations in gnomAD [PM2]; The available evidence in the biomedical literature and databases is currently insufficient to assert whether the identified variant is pathogenic or a benign polymorphism. We therefore classify it as a variant of uncertain significance.

NM_001110556.2(FLNA):c.4240T>A (p.Tyr1414Asn)

Gene: FLNA (filamin A; minus strand). Cytogenetic location: Xq28.
Variant type: single nucleotide variant.
Coding change: c.4240T>A on transcript NM_001110556.2 (MANE Select); coding-DNA position 4240, T replaced by A.
Protein change: p.Tyr1414Asn; replaces tyrosine 1414 with asparagine.
Molecular consequence: missense variant.
Genome position (GRCh38, 1-based): chrX:154,359,309, A>T on the plus strand (T>A on the coding strand, the complement: FLNA is on the minus strand). VCF-style: chrX-154359309-A-T. GRCh37 (hg19) VCF-style: chrX-153587677-A-T.
Other names: p.Tyr1414Asn; c.4240T>A, p.Tyr1414Asn (NM_001456.4); short protein forms Y1414N.
Identifiers: ClinVar variation 4871894 (VCV004871894.1).